The following is an entry in ClinVar:

NM_001267550.2(TTN):c.84443C>G (p.Ala28148Gly)

Genes: TTN (titin; minus strand), TTN-AS1 (TTN antisense RNA 1; plus strand). Cytogenetic location: 2q31.2.
Variant type: single nucleotide variant.
Coding change: c.84443C>G on transcript NM_001267550.2 (MANE Select); coding-DNA position 84443, C replaced by G.
Protein change: p.Ala28148Gly; replaces alanine 28148 with glycine.
Molecular consequence: missense variant.
Genome position (GRCh38, 1-based): chr2:178,561,689, G>C on the plus strand (C>G on the coding strand, the complement: TTN is on the minus strand). VCF-style: chr2-178561689-G-C. GRCh37 (hg19) VCF-style: chr2-179426416-G-C.
Other names: c.79520C>G, p.Ala26507Gly (NM_001256850.1); c.57248C>G, p.Ala19083Gly (NM_003319.4); c.76739C>G, p.Ala25580Gly (NM_133378.4); c.57623C>G, p.Ala19208Gly (NM_133432.3); c.57824C>G, p.Ala19275Gly (NM_133437.4); short protein forms A25580G, A28148G, A19083G, A19275G, A19208G, A26507G.
Identifiers: ClinVar variation 332748 (VCV000332748.5), dbSNP rs751860205, ClinGen allele CA1988775.

ClinVar aggregate classification (germline): Conflicting classifications of pathogenicity. Review status: criteria provided, conflicting classifications (1 of 4 stars). 5 submissions from 1 submitter: Uncertain significance (3); Likely benign (2). Last evaluated 2018-01-13.

Conditions:
Myopathy, myofibrillar, 9, with early respiratory failure (MFM9). Also called: Myopathy, distal, with early respiratory failure, autosomal dominant; Hereditary myopathy with early respiratory failure; EDSTROM MYOPATHY; MYOPATHY, PROXIMAL, WITH EARLY RESPIRATORY MUSCLE INVOLVEMENT. Identifiers: Orphanet 178464, Orphanet 34521, MedGen C1863599, MONDO:0011362, OMIM 603689.
Early-onset myopathy with fatal cardiomyopathy (CMYO5). Also called: CONGENITAL MYOPATHY 5 WITH CARDIOMYOPATHY; Salih Myopathy. Identifiers: Orphanet 289377, MedGen C2673677, MONDO:0012714, OMIM 611705. Disease mechanism: loss of function.
Autosomal recessive limb-girdle muscular dystrophy type 2J (LGMDR10). Also called: MUSCULAR DYSTROPHY, LIMB-GIRDLE, AUTOSOMAL RECESSIVE 10; Limb-girdle muscular dystrophy, type 2J. Identifiers: Orphanet 140922, MedGen C1837342, MONDO:0012127, OMIM 608807.
Tibial muscular dystrophy (TMD). Also called: Udd Distal Myopathy – Tibial Muscular Dystrophy; UDD MYOPATHY; Tibial muscular dystrophy, tardive. Identifiers: Orphanet 609, MedGen C1838244, MONDO:0010870, OMIM 600334.
Dilated cardiomyopathy 1G (CMD1G). Identifiers: Orphanet 154, MedGen C1858763, MONDO:0011400, OMIM 604145.

Allele frequency attached by ClinVar (database versions not stated): gnomAD exomes below 0.00001 and 0.00001; ExAC 0.00002; TOPMed 0.00002.
gnomAD v4.1: 7 of 1,607,416 alleles (0.00044%); highest among the groups gnomAD compares: Non-Finnish European, 0.0006%; no homozygotes.

Submissions (5):

Illumina Laboratory Services, Illumina
Classification: Likely benign for Tibial muscular dystrophy. Last evaluated: 2018-01-13. Review status: criteria provided, single submitter. Criteria: ICSL Variant Classification Criteria 13 December 2019. Collection method: clinical testing. Allele origin: germline.
Comment: This variant was observed in the ICSL laboratory as part of a predisposition screen in an ostensibly healthy population. It had not been previously curated by ICSL or reported in the Human Gene Mutation Database (HGMD: prior to June 1st, 2018), and was therefore a candidate for classification through an automated scoring system. Utilizing variant allele frequency, disease prevalence and penetrance estimates, and inheritance mode, an automated score was calculated to assess if this variant is too frequent to cause the disease. Based on the score and internal cut-off values, a variant classified as likely benign is not then subjected to further curation. The score for this variant resulted in a classification of likely benign for this disease.

Illumina Laboratory Services, Illumina
Classification: Uncertain significance for Early-onset myopathy with fatal cardiomyopathy. Last evaluated: 2018-01-13. Review status: criteria provided, single submitter. Criteria: ICSL Variant Classification Criteria 13 December 2019. Collection method: clinical testing. Allele origin: germline.

Illumina Laboratory Services, Illumina
Classification: Likely benign for Myopathy, myofibrillar, 9, with early respiratory failure. Last evaluated: 2018-01-13. Review status: criteria provided, single submitter. Criteria: ICSL Variant Classification Criteria 13 December 2019. Collection method: clinical testing. Allele origin: germline.
Comment: the same text as in the submission from Illumina Laboratory Services, Illumina above.

Illumina Laboratory Services, Illumina
Classification: Uncertain significance for Autosomal recessive limb-girdle muscular dystrophy type 2J. Last evaluated: 2018-01-13. Review status: criteria provided, single submitter. Criteria: ICSL Variant Classification Criteria 13 December 2019. Collection method: clinical testing. Allele origin: germline.

Illumina Laboratory Services, Illumina
Classification: Uncertain significance for Dilated cardiomyopathy 1G. Last evaluated: 2018-01-13. Review status: criteria provided, single submitter. Criteria: ICSL Variant Classification Criteria 13 December 2019. Collection method: clinical testing. Allele origin: germline.